The following is an entry in ClinVar:

NM_001206927.2(DNAH8):c.10801G>A (p.Asp3601Asn)

Genes: DNAH8 (dynein axonemal heavy chain 8; plus strand), DNAH8-AS1 (DNAH8 antisense RNA 1; minus strand). Cytogenetic location: 6p21.2.
Variant type: single nucleotide variant.
Coding change: c.10801G>A on transcript NM_001206927.2 (MANE Select); coding-DNA position 10801, G replaced by A.
Protein change: p.Asp3601Asn; replaces aspartic acid 3601 with asparagine.
Molecular consequence: missense variant.
Genome position (GRCh38, 1-based): chr6:38,924,001, G>A. VCF-style: chr6-38924001-G-A. GRCh37 (hg19) VCF-style: chr6-38891777-G-A.
Other names: c.10801G>A (NM_001206927.1); c.10150G>A, p.Asp3384Asn (NM_001371.4); short protein forms D3384N, D3601N.
Identifiers: ClinVar variation 1314746 (VCV001314746.4), dbSNP rs376013784, ClinGen allele CA3790848.

ClinVar aggregate classification (germline): Uncertain significance. Review status: criteria provided, multiple submitters, no conflicts (2 of 4 stars). 2 submissions from 2 submitters: Uncertain significance (2). Last evaluated 2025-11-08.

Allele frequency attached by ClinVar (database versions not stated): gnomAD exomes 0.00001 and below 0.00001; ExAC 0.00001; gnomAD 0.00001.
gnomAD v4.1: 9 of 1,613,806 alleles (0.00056%); highest among the groups gnomAD compares: Non-Finnish European, 0.00068%; no homozygotes.

Submissions (2):

Ambry Genetics
Classification: Uncertain significance. Last evaluated: 2025-11-08. Review status: criteria provided, single submitter. Criteria: Ambry Variant Classification Scheme 2023. Collection method: clinical testing. Allele origin: germline.

GeneDx
Classification: Uncertain significance. Last evaluated: 2021-04-26. Review status: criteria provided, single submitter. Criteria: GeneDx Variant Classification Process June 2021. Collection method: clinical testing. Allele origin: germline. Affected: yes.
Comment: In silico analysis supports that this missense variant has a deleterious effect on protein structure/function; Has not been previously published as pathogenic or benign to our knowledge; Variants in candidate genes are classified as variants of uncertain significance in accordance with ACMG guidelines (Richards et al., 2015); In silico analysis, which includes splice predictors and evolutionary conservation, suggests this variant may impact gene splicing. In the absence of RNA/functional studies, the actual effect of this sequence change is unknown.